The following is an entry in ClinVar:

NM_000059.4(BRCA2):c.127A>G (p.Asn43Asp)

Gene: BRCA2 (BRCA2 DNA repair associated; plus strand). Cytogenetic location: 13q13.1.
Variant type: single nucleotide variant.
Coding change: c.127A>G on transcript NM_000059.4 (MANE Select); coding-DNA position 127, A replaced by G.
Protein change: p.Asn43Asp; replaces asparagine 43 with aspartic acid.
Molecular consequence: missense variant.
Genome position (GRCh38, 1-based): chr13:32,319,136, A>G. VCF-style: chr13-32319136-A-G. GRCh37 (hg19) VCF-style: chr13-32893273-A-G.
Other names: short protein forms N43D.
Identifiers: ClinVar variation 945520 (VCV000945520.10), dbSNP rs2072285381, ClinGen allele CA387754233.

ClinVar aggregate classification (germline): Uncertain significance (1 of 4 stars; one submission).

Conditions:
Hereditary breast ovarian cancer syndrome. Also called: Hereditary breast and ovarian cancer syndrome (HBOC); Hereditary breast and ovarian cancer; Breast and ovarian cancer; BRCA1- and BRCA2-Associated Hereditary Breast and Ovarian Cancer; Hereditary breast and ovarian cancer syndrome; Hereditary breast and/or ovarian cancer syndrome. Identifiers: Orphanet 145, MedGen C0677776, MeSH D061325, MONDO:0003582. Disease mechanism: loss of function.

Submission:

Labcorp Genetics (formerly Invitae), Labcorp
Classification: Uncertain significance for Hereditary breast ovarian cancer syndrome. Last evaluated: 2019-05-23. Review status: criteria provided, single submitter. Criteria: Invitae Variant Classification Sherloc (09022015). Collection method: clinical testing. Allele origin: germline.
Comment: This variant is not present in population databases (ExAC no frequency). In summary, the available evidence is currently insufficient to determine the role of this variant in disease. Therefore, it has been classified as a Variant of Uncertain Significance. Algorithms developed to predict the effect of missense changes on protein structure and function (SIFT, PolyPhen-2, Align-GVGD) all suggest that this variant is likely to be tolerated, but these predictions have not been confirmed by published functional studies and their clinical significance is uncertain. This variant has not been reported in the literature in individuals with BRCA2-related conditions. This sequence change replaces asparagine with aspartic acid at codon 43 of the BRCA2 protein (p.Asn43Asp). The asparagine residue is moderately conserved and there is a small physicochemical difference between asparagine and aspartic acid.